The following is an entry in ClinVar:

ClinVar aggregate classification (germline): Uncertain significance (1 of 4 stars; one submission).

Allele frequency attached by ClinVar (database versions not stated): TOPMed below 0.00001; gnomAD exomes 0.00002.

Submission:

GeneDx
Classification: Uncertain significance. Last evaluated: 2020-03-03. Review status: criteria provided, single submitter. Criteria: GeneDx Variant Classification Process June 2021. Collection method: clinical testing. Allele origin: germline. Affected: yes.
Comment: In-silico analysis is not informative as to whether the variant has a deleterious effect on protein structure/function; Has not been previously published as pathogenic or benign to our knowledge

NM_001287491.2(TET3):c.5344T>C (p.Tyr1782His)

Gene: TET3 (tet methylcytosine dioxygenase 3; plus strand). Cytogenetic location: 2p13.1.
Variant type: single nucleotide variant.
Coding change: c.5344T>C on transcript NM_001287491.2 (MANE Select); coding-DNA position 5344, T replaced by C.
Protein change: p.Tyr1782His; replaces tyrosine 1782 with histidine.
Molecular consequence: missense variant.
Genome position (GRCh38, 1-based): chr2:74,102,132, T>C. VCF-style: chr2-74102132-T-C. GRCh37 (hg19) VCF-style: chr2-74329259-T-C.
Other names: c.5065T>C, p.Tyr1689His (NM_001366022.1); short protein forms Y1689H, Y1782H.
Identifiers: ClinVar variation 1314080 (VCV001314080.2), dbSNP rs1196419881, ClinGen allele CA347324941.